The following is an entry in ClinVar:

ClinVar aggregate classification (germline): Benign/Likely benign. Review status: criteria provided, single submitter (1 of 4 stars). 2 submissions from 1 submitter: Benign (1); Likely benign (1). Last evaluated 2018-01-12.

Conditions:
Noonan syndrome 4 (NS4). Also called: SOS1-Related Noonan Syndrome; NOONAN SYNDROME WITH PIGMENTED VILLONODULAR SYNOVITIS. Identifiers: Orphanet 648, MedGen C1853120, MONDO:0012547, OMIM 610733.
Fibromatosis, gingival, 1 (GINGF1). Identifiers: Orphanet 2024, MedGen C4551558, MONDO:0007609, OMIM 135300.

Allele frequency attached by ClinVar (database versions not stated): 1000 Genomes Project 30x 0.00625; 1000 Genomes Project 0.00719; TOPMed 0.01671; gnomAD 0.01816 and 0.01859.

Submissions (2):

Illumina Laboratory Services, Illumina
Classification: Likely benign for Noonan syndrome 4. Last evaluated: 2018-01-12. Review status: criteria provided, single submitter. Criteria: ICSL Variant Classification Criteria 13 December 2019. Collection method: clinical testing. Allele origin: germline.
Comment: This variant was observed in the ICSL laboratory as part of a predisposition screen in an ostensibly healthy population. It had not been previously curated by ICSL or reported in the Human Gene Mutation Database (HGMD: prior to June 1st, 2018), and was therefore a candidate for classification through an automated scoring system. Utilizing variant allele frequency, disease prevalence and penetrance estimates, and inheritance mode, an automated score was calculated to assess if this variant is too frequent to cause the disease. Based on the score and internal cut-off values, a variant classified as likely benign is not then subjected to further curation. The score for this variant resulted in a classification of likely benign for this disease.

Illumina Laboratory Services, Illumina
Classification: Benign for Fibromatosis, gingival, 1. Last evaluated: 2018-01-12. Review status: criteria provided, single submitter. Criteria: ICSL Variant Classification Criteria 13 December 2019. Collection method: clinical testing. Allele origin: germline.
Comment: This variant was observed in the ICSL laboratory as part of a predisposition screen in an ostensibly healthy population. It had not been previously curated by ICSL or reported in the Human Gene Mutation Database (HGMD: prior to June 1st, 2018), and was therefore a candidate for classification through an automated scoring system. Utilizing variant allele frequency, disease prevalence and penetrance estimates, and inheritance mode, an automated score was calculated to assess if this variant is too frequent to cause the disease. Based on the score and internal cut-off values, a variant classified as benign is not then subjected to further curation. The score for this variant resulted in a classification of benign for this disease.

NM_005633.4(SOS1):c.*1731A>G

Gene: SOS1 (SOS Ras/Rac guanine nucleotide exchange factor 1; minus strand). Cytogenetic location: 2p22.1.
Variant type: single nucleotide variant.
Coding change: c.*1731A>G on transcript NM_005633.4 (MANE Select); 1731 bases downstream of the stop codon, A replaced by G.
Molecular consequence: 3 prime UTR variant.
Genome position (GRCh38, 1-based): chr2:38,984,093, T>C on the plus strand (A>G on the coding strand, the complement: SOS1 is on the minus strand). VCF-style: chr2-38984093-T-C. GRCh37 (hg19) VCF-style: chr2-39211234-T-C.
Other names: c.*1731A>G (NM_001382394.1, NM_001382395.1).
Identifiers: ClinVar variation 335988 (VCV000335988.5), dbSNP rs79270739, ClinGen allele CA10613798.
Genomic context (GRCh38, chr2:38,984,093, plus strand): 5'-ACTACATACTGTACTATCGTGATGTACATTTTATGCTCTAATAAATATCATAGGAAATTA[T>C]TAAAGTACTAGGTTCCCACCATGTTGCAGCACTTCTAAAAATGTCTCTAATGGTGTGGTT-3'